The following is an entry in ClinVar:

NM_015459.5(ATL3):c.47A>G (p.Asp16Gly)

Gene: ATL3 (atlastin GTPase 3; minus strand). Cytogenetic location: 11q13.1.
Variant type: single nucleotide variant.
Coding change: c.47A>G on transcript NM_015459.5 (MANE Select); coding-DNA position 47, A replaced by G.
Protein change: p.Asp16Gly; replaces aspartic acid 16 with glycine.
Molecular consequence: missense variant. On other transcripts: 5 prime UTR variant (2).
Genome position (GRCh38, 1-based): chr11:63,659,252, T>C on the plus strand (A>G on the coding strand, the complement: ATL3 is on the minus strand). VCF-style: chr11-63659252-T-C. GRCh37 (hg19) VCF-style: chr11-63426724-T-C.
Other names: c.-8A>G (NM_001290048.2, NM_001440720.1); c.47A>G, p.Asp16Gly (NM_001440716.1, NM_001440717.1, NM_001440718.1 and 3 more transcripts); short protein forms D16G.
Identifiers: ClinVar variation 4694546 (VCV004694546.1).
Genomic context (GRCh38, chr11:63,659,252, plus strand): 5'-TGATCTTTCTGAACCAAAACAACCTGCACTGGACCAGGCTTGCTGCTCTCCATGGCATCA[T>C]CTATGTTCATGCAGAGAAAAAAAATCAGTGTCAAATATTTAAAATATGTTTTTGAATATA-3'
Protein context (NP_056274.3, residues 6-26): RVAAAASRGA[Asp16Gly]DAMESSKPGP

ClinVar aggregate classification (germline): Uncertain significance (1 of 4 stars; one submission).

Conditions:
Neuropathy, hereditary sensory, type 1F. Also called: HSN IF; Hereditary sensory neuropathy type IF. Identifiers: Orphanet 36386, MedGen C3810194, MONDO:0014286, OMIM 615632.

gnomAD v4.1: 3 of 1,613,512 alleles (0.00019%); highest among the groups gnomAD compares: South Asian, 0.0022%; no homozygotes.

Submission:

Labcorp Genetics (formerly Invitae), Labcorp
Classification: Uncertain significance for Neuropathy, hereditary sensory, type 1F. Last evaluated: 2025-06-20. Review status: criteria provided, single submitter. Criteria: Invitae Variant Classification Sherloc (09022015). Collection method: clinical testing. Allele origin: germline.
Comment: This sequence change replaces aspartic acid, which is acidic and polar, with glycine, which is neutral and non-polar, at codon 16 of the ATL3 protein (p.Asp16Gly). This variant is present in population databases (no rsID available, gnomAD 0.003%). This variant has not been reported in the literature in individuals affected with ATL3-related conditions. An algorithm developed to predict the effect of missense changes on protein structure and function outputs the following: PolyPhen-2: "Benign". The glycine amino acid residue is found in multiple mammalian species, which suggests that this missense change does not adversely affect protein function. In summary, the available evidence is currently insufficient to determine the role of this variant in disease. Therefore, it has been classified as a Variant of Uncertain Significance.